The following is an entry in ClinVar:

NM_006761.5(YWHAE):c.756C>T (p.Asp252=)

Gene: YWHAE (tyrosine 3-monooxygenase/tryptophan 5-monooxygenase activation protein epsilon; minus strand). Cytogenetic location: 17p13.3.
Variant type: single nucleotide variant.
Coding change: c.756C>T on transcript NM_006761.5 (MANE Select); coding-DNA position 756, C replaced by T.
Protein change: p.Asp252=; no amino-acid change (aspartic acid 252 retained).
Molecular consequence: synonymous variant. On other transcripts: non-coding transcript variant (1).
Genome position (GRCh38, 1-based): chr17:1,345,459, G>A on the plus strand (C>T on the coding strand, the complement: YWHAE is on the minus strand). VCF-style: chr17-1345459-G-A. GRCh37 (hg19) VCF-style: chr17-1248753-G-A.
Identifiers: ClinVar variation 702450 (VCV000702450.11), dbSNP rs150837977, ClinGen allele CA8266082.

ClinVar aggregate classification (germline): Benign. Review status: criteria provided, single submitter (1 of 4 stars). 2 submissions from 2 submitters: Benign (1). 1 of the submissions does not count toward it. Last evaluated 2026-01-15.

Conditions:
YWHAE-related disorder. Also called: YWHAE-related condition.

Allele frequency attached by ClinVar (database versions not stated): gnomAD 0.00019 and 0.00032; TOPMed 0.00051; gnomAD exomes 0.00067; ExAC 0.00073; 1000 Genomes Project 30x 0.00187; 1000 Genomes Project 0.00220.
gnomAD v4.1: 485 of 1,613,628 alleles (0.03%); highest among the groups gnomAD compares: East Asian, 0.96%; 5 homozygotes.

Submissions (2):

Labcorp Genetics (formerly Invitae), Labcorp
Classification: Benign. Last evaluated: 2026-01-15. Review status: criteria provided, single submitter. Criteria: Invitae Variant Classification Sherloc (09022015). Collection method: clinical testing. Allele origin: germline.

PreventionGenetics, part of Exact Sciences
Classification: Likely benign for YWHAE-related condition. Last evaluated: 2019-10-23. Review status: no assertion criteria provided. Collection method: clinical testing. Allele origin: germline. Not counted in ClinVar's aggregate classification.
Comment: This variant is classified as likely benign based on ACMG/AMP sequence variant interpretation guidelines (Richards et al. 2015 PMID: 25741868, with internal and published modifications).